The following is an entry in ClinVar:

NM_004522.3(KIF5C):c.1575A>G (p.Thr525=)

Gene: KIF5C (kinesin family member 5C; plus strand). Cytogenetic location: 2q23.1.
Variant type: single nucleotide variant.
Coding change: c.1575A>G on transcript NM_004522.3 (MANE Select); coding-DNA position 1575, A replaced by G.
Protein change: p.Thr525=; no amino-acid change (threonine 525 retained).
Molecular consequence: synonymous variant. On other transcripts: non-coding transcript variant (1).
Genome position (GRCh38, 1-based): chr2:148,983,625, A>G. VCF-style: chr2-148983625-A-G. GRCh37 (hg19) VCF-style: chr2-149840139-A-G.
Identifiers: ClinVar variation 3035998 (VCV003035998.2), dbSNP rs370689688, ClinGen allele CA1901490.
Genomic context (GRCh38, chr2:148,983,625, plus strand): 5'-GTGTATGAAATTGATGGGCAACCCTTTGAATTTGTTGTTGAAATTTGTTTTTCAGACTAC[A>G]TTGACAACCACACAGAGAGAGCTGAGCCAGCTACAAGAGCTTAGCAACCACCAGAAGAAA-3'
Protein context (NP_004513.1, residues 515-535): LTDELAQKTT[Thr525=]LTTTQRELSQ

ClinVar aggregate classification (germline): Likely benign (0 of 4 stars; one submission).

Conditions:
KIF5C-related disorder. Also called: KIF5C-related condition.

Allele frequency attached by ClinVar (database versions not stated): gnomAD 0.00001; TOPMed 0.00002; ExAC 0.00004; gnomAD exomes 0.00005; ESP Exome Variant Server 0.00008.
gnomAD v4.1: 69 of 1,568,292 alleles (0.0044%); highest among the groups gnomAD compares: Non-Finnish European, 0.0058%; no homozygotes.

Submission:

PreventionGenetics, part of Exact Sciences
Classification: Likely benign for KIF5C-related condition. Last evaluated: 2020-12-17. Review status: no assertion criteria provided. Collection method: clinical testing. Allele origin: germline.
Comment: This variant is classified as likely benign based on ACMG/AMP sequence variant interpretation guidelines (Richards et al. 2015 PMID: 25741868, with internal and published modifications).